The following is an entry in ClinVar:

ClinVar aggregate classification (germline): Conflicting classifications of pathogenicity. Review status: criteria provided, conflicting classifications (1 of 4 stars). 5 submissions from 5 submitters: Uncertain significance (1); Benign (1); Likely benign (2). 1 of the submissions does not count toward it. Last evaluated 2026-01-19.

Conditions:
DPM3-related disorder. Also called: DPM3-related condition.
DPM3-congenital disorder of glycosylation (MDDGC15). Also called: CDG Io; CDG1(DPM3); MUSCULAR DYSTROPHY-DYSTROGLYCANOPATHY (LIMB-GIRDLE), TYPE C, 15; DPM3-CDG. Identifiers: Orphanet 263494, MedGen C2752007, MONDO:0013049, OMIM 612937.

Allele frequency attached by ClinVar (database versions not stated): gnomAD 0.00016 and 0.00029; gnomAD exomes 0.00024 and 0.00061; TOPMed 0.00036; ExAC 0.00064; 1000 Genomes Project 30x 0.00109; 1000 Genomes Project 0.00120.
gnomAD v4.1: 395 of 1,613,198 alleles (0.024%); highest among the groups gnomAD compares: East Asian, 0.82%; no homozygotes.

Submissions (5):

Labcorp Genetics (formerly Invitae), Labcorp
Classification: Benign for DPM3-congenital disorder of glycosylation. Last evaluated: 2026-01-19. Review status: criteria provided, single submitter. Criteria: Invitae Variant Classification Sherloc (09022015). Collection method: clinical testing. Allele origin: germline.

Blueprint Genetics
Classification: Likely benign. Last evaluated: 2024-10-30. Review status: criteria provided, single submitter. Criteria: ACMG Guidelines, 2015. Collection method: clinical testing. Allele origin: germline.

GeneDx
Classification: Likely benign. Last evaluated: 2018-04-05. Review status: criteria provided, single submitter. Criteria: GeneDx Variant Classification (06012015). Collection method: clinical testing. Allele origin: germline. Affected: yes.
Comment: This variant is considered likely benign or benign based on one or more of the following criteria: it is a conservative change, it occurs at a poorly conserved position in the protein, it is predicted to be benign by multiple in silico algorithms, and/or has population frequency not consistent with disease.

Illumina Laboratory Services, Illumina
Classification: Uncertain significance for DPM3-congenital disorder of glycosylation. Last evaluated: 2018-01-12. Review status: criteria provided, single submitter. Criteria: ICSL Variant Classification Criteria 13 December 2019. Collection method: clinical testing. Allele origin: germline.

PreventionGenetics, part of Exact Sciences
Classification: Benign for DPM3-related condition. Last evaluated: 2019-12-13. Review status: no assertion criteria provided. Collection method: clinical testing. Allele origin: germline. Not counted in ClinVar's aggregate classification.
Comment: This variant is classified as benign based on ACMG/AMP sequence variant interpretation guidelines (Richards et al. 2015 PMID: 25741868, with internal and published modifications).

NM_153741.2(DPM3):c.249C>A (p.Ala83=)

Gene: DPM3 (dolichyl-phosphate mannosyltransferase subunit 3, regulatory; minus strand). Cytogenetic location: 1q22.
Variant type: single nucleotide variant.
Coding change: c.249C>A on transcript NM_153741.2 (MANE Select); coding-DNA position 249, C replaced by A.
Protein change: p.Ala83=; no amino-acid change (alanine 83 retained).
Molecular consequence: synonymous variant.
Genome position (GRCh38, 1-based): chr1:155,139,992, G>T on the plus strand (C>A on the coding strand, the complement: DPM3 is on the minus strand). VCF-style: chr1-155139992-G-T. GRCh37 (hg19) VCF-style: chr1-155112468-G-T.
Other names: c.339C>A, p.Ala113= (NM_018973.4).
Identifiers: ClinVar variation 292789 (VCV000292789.19), dbSNP rs193215070, ClinGen allele CA1138404.